The following is an entry in ClinVar:

NM_144499.3(GNAT1):c.1004T>C (p.Val335Ala)

Gene: GNAT1 (G protein subunit alpha transducin 1; plus strand). Cytogenetic location: 3p21.31.
Variant type: single nucleotide variant.
Coding change: c.1004T>C on transcript NM_144499.3 (MANE Select); coding-DNA position 1004, T replaced by C.
Protein change: p.Val335Ala; replaces valine 335 with alanine.
Molecular consequence: missense variant.
Genome position (GRCh38, 1-based): chr3:50,194,906, T>C. VCF-style: chr3-50194906-T-C. GRCh37 (hg19) VCF-style: chr3-50232339-T-C.
Other names: c.1004T>C, p.Val335Ala (NM_000172.4); short protein forms V335A.
Identifiers: ClinVar variation 971220 (VCV000971220.6), dbSNP rs1699480118, ClinGen allele CA352921089.

ClinVar aggregate classification (germline): Uncertain significance (1 of 4 stars; one submission).

Submission:

Labcorp Genetics (formerly Invitae), Labcorp
Classification: Uncertain significance. Last evaluated: 2019-10-03. Review status: criteria provided, single submitter. Criteria: Invitae Variant Classification Sherloc (09022015). Collection method: clinical testing. Allele origin: germline.
Comment: This sequence change replaces valine with alanine at codon 335 of the GNAT1 protein (p.Val335Ala). The valine residue is highly conserved and there is a small physicochemical difference between valine and alanine. In summary, the available evidence is currently insufficient to determine the role of this variant in disease. Therefore, it has been classified as a Variant of Uncertain Significance. Algorithms developed to predict the effect of missense changes on protein structure and function are either unavailable or do not agree on the potential impact of this missense change (SIFT: "Deleterious"; PolyPhen-2: "Probably Damaging"; Align-GVGD: "Class C0"). This variant has not been reported in the literature in individuals with GNAT1-related conditions. This variant is not present in population databases (ExAC no frequency).